The following is an entry in ClinVar:

NM_001114753.3(ENG):c.1172A>G (p.Asp391Gly)

Genes: ENG (endoglin; minus strand), LOC102723566 (uncharacterized LOC102723566; plus strand). Cytogenetic location: 9q34.11.
Variant type: single nucleotide variant.
Coding change: c.1172A>G on transcript NM_001114753.3 (MANE Select); coding-DNA position 1172, A replaced by G.
Protein change: p.Asp391Gly; replaces aspartic acid 391 with glycine.
Molecular consequence: missense variant.
Genome position (GRCh38, 1-based): chr9:127,820,000, T>C on the plus strand (A>G on the coding strand, the complement: ENG is on the minus strand). VCF-style: chr9-127820000-T-C. GRCh37 (hg19) VCF-style: chr9-130582279-T-C.
Other names: c.1172A>G, p.Asp391Gly (NM_000118.4); c.626A>G, p.Asp209Gly (NM_001278138.2); short protein forms D209G, D391G.
Identifiers: ClinVar variation 1506733 (VCV001506733.9), dbSNP rs2131879297, ClinGen allele CA374978697.

ClinVar aggregate classification (germline): Uncertain significance (1 of 4 stars; one submission).

Conditions:
Hereditary hemorrhagic telangiectasia (HHT). Also called: ORW DISEASE; Osler Weber Rendu syndrome; OSLER-RENDU-WEBER DISEASE; Osler hemorrhagic telangiectasia syndrome. Identifiers: Orphanet 774, MedGen C0039445, MONDO:0019180. Disease mechanism: loss of function.

Submission:

Labcorp Genetics (formerly Invitae), Labcorp
Classification: Uncertain significance for Hereditary hemorrhagic telangiectasia. Last evaluated: 2021-01-12. Review status: criteria provided, single submitter. Criteria: Invitae Variant Classification Sherloc (09022015). Collection method: clinical testing. Allele origin: germline.
Comment: This variant has not been reported in the literature in individuals with ENG-related conditions. This variant is not present in population databases (ExAC no frequency). This sequence change replaces aspartic acid with glycine at codon 391 of the ENG protein (p.Asp391Gly). The aspartic acid residue is highly conserved and there is a moderate physicochemical difference between aspartic acid and glycine. Advanced modeling of protein sequence and biophysical properties (such as structural, functional, and spatial information, amino acid conservation, physicochemical variation, residue mobility, and thermodynamic stability) performed at Invitae indicates that this missense variant is expected to disrupt ENG protein function. In summary, the available evidence is currently insufficient to determine the role of this variant in disease. Therefore, it has been classified as a Variant of Uncertain Significance.